The following is an entry in ClinVar:

NM_001199107.2(TBC1D24):c.1440G>A (p.Ser480=)

Gene: TBC1D24 (TBC1 domain family member 24; plus strand). Cytogenetic location: 16p13.3.
Variant type: single nucleotide variant.
Coding change: c.1440G>A on transcript NM_001199107.2 (MANE Select); coding-DNA position 1440, G replaced by A.
Protein change: p.Ser480=; no amino-acid change (serine 480 retained).
Molecular consequence: synonymous variant.
Genome position (GRCh38, 1-based): chr16:2,500,405, G>A. VCF-style: chr16-2500405-G-A. GRCh37 (hg19) VCF-style: chr16-2550406-G-A.
Other names: p.Ser480=; c.1422G>A, p.Ser474= (NM_020705.3).
Identifiers: ClinVar variation 130536 (VCV000130536.37), dbSNP rs12373107, ClinGen allele CA155648.

ClinVar aggregate classification (germline): Benign. Review status: criteria provided, multiple submitters, no conflicts (2 of 4 stars). 12 submissions from 12 submitters: Benign (9). 3 of the submissions do not count toward it. Last evaluated 2026-02-03.

Conditions:
Developmental and epileptic encephalopathy, 1 (DEE1). Also called: X-linked infantile spasms; West's syndrome; Tonic spasms with clustering, arrest of psychomotor development and hypsarrhythmia on EEG; X-Linked Infantile Spasm Syndrome; OHTAHARA SYNDROME, X-LINKED; INFANTILE SPASM SYNDROME, X-LINKED 1. Identifiers: MedGen C3463992, MONDO:0010632, OMIM 308350. Disease mechanism: loss of function.
Autosomal dominant nonsyndromic hearing loss 65. Also called: Deafness, autosomal dominant 65; TBC1D24-Related Autosomal Dominant Nonsyndromic Hearing Loss (DFNA). Identifiers: Orphanet 90635, MedGen C3892048, MONDO:0014470, OMIM 616044.
Inborn genetic diseases. Identifiers: MedGen C0950123, MeSH D030342.
Familial infantile myoclonic epilepsy (FIME). Also called: TBC1D24-Related Familial Infantile Myoclonic Epilepsy (FIME); Epilepsy, Myoclonic, Infantile. Identifiers: Orphanet 352582, MedGen C0917800, MONDO:0011506, OMIM 605021.

Allele frequency attached by ClinVar (database versions not stated): 1000 Genomes Project 30x 0.01593; ESP Exome Variant Server 0.02014; TOPMed 0.02680; gnomAD 0.02286 and 0.02325; gnomAD exomes 0.03202; ExAC 0.04020; 1000 Genomes Project 0.01558.
gnomAD v4.1: 45,421 of 1,601,820 alleles (2.8%); highest among the groups gnomAD compares: Admixed American, 8.2%; 874 homozygotes.

Submissions (12):

Labcorp Genetics (formerly Invitae), Labcorp
Classification: Benign for Developmental and epileptic encephalopathy, 1; Autosomal dominant nonsyndromic hearing loss 65. Last evaluated: 2026-02-03. Review status: criteria provided, single submitter. Criteria: Invitae Variant Classification Sherloc (09022015). Collection method: clinical testing. Allele origin: germline.

Mayo Clinic Laboratories, Mayo Clinic
Classification: Benign. Last evaluated: 2022-05-01. Review status: criteria provided, single submitter. Criteria: ACMG Guidelines, 2015. Collection method: clinical testing. Allele origin: germline. Observed: 49 variant alleles.

Illumina Laboratory Services, Illumina
Classification: Benign for Familial infantile myoclonic epilepsy. Last evaluated: 2018-01-12. Review status: criteria provided, single submitter. Criteria: ICSL Variant Classification Criteria 13 December 2019. Collection method: clinical testing. Allele origin: germline.
Comment: This variant was observed in the ICSL laboratory as part of a predisposition screen in an ostensibly healthy population. It had not been previously curated by ICSL or reported in the Human Gene Mutation Database (HGMD: prior to June 1st, 2018), and was therefore a candidate for classification through an automated scoring system. Utilizing variant allele frequency, disease prevalence and penetrance estimates, and inheritance mode, an automated score was calculated to assess if this variant is too frequent to cause the disease. Based on the score and internal cut-off values, a variant classified as benign is not then subjected to further curation. The score for this variant resulted in a classification of benign for this disease.

Ambry Genetics
Classification: Benign for Inborn genetic diseases. Last evaluated: 2016-05-26. Review status: criteria provided, single submitter. Criteria: Ambry Variant Classification Scheme 2023. Collection method: clinical testing. Allele origin: germline.

GeneDx
Classification: Benign. Last evaluated: 2015-03-03. Review status: criteria provided, single submitter. Criteria: GeneDx Variant Classification Process June 2021. Collection method: clinical testing. Allele origin: germline. Affected: yes.

Laboratory for Molecular Medicine, Mass General Brigham Personalized Medicine
Classification: Benign. Last evaluated: 2015-01-13. Review status: criteria provided, single submitter. Criteria: LMM Criteria. Collection method: clinical testing. Allele origin: germline. Observed: 58 variant alleles.
Comment: p.Ser480Ser in exon 7 of TBC1D24: This variant is not expected to have clinical significance because it does not alter an amino acid residue and is not located within the splice consensus sequence. It has been identified in 2.6% (222/8400) of European American chromosomes from a broad population by the NHLBI Exome Sequ encing Project (dbSNP rs12373107).

Eurofins Ntd Llc (ga)
Classification: Benign. Last evaluated: 2014-07-17. Review status: criteria provided, single submitter. Criteria: EGL Classification Definitions 2015. Collection method: clinical testing. Allele origin: germline. Observed: 2 variant alleles, 2 heterozygotes.

Breakthrough Genomics
Classification: Benign. Review status: criteria provided, single submitter. Criteria: ACMG Guidelines, 2015. Collection method: not provided. Allele origin: germline. Inheritance: Autosomal recessive inheritance. Affected: yes.

PreventionGenetics, part of Exact Sciences
Classification: Benign. Review status: criteria provided, single submitter. Criteria: ACMG Guidelines, 2015. Collection method: clinical testing. Allele origin: germline.

Clinical Genetics DNA and cytogenetics Diagnostics Lab, Erasmus MC, Erasmus Medical Center
Classification: Benign. Review status: no assertion criteria provided. Collection method: clinical testing. Allele origin: germline. Affected: yes. Study: VKGL Data-share Consensus. Not counted in ClinVar's aggregate classification.

Genetic Services Laboratory, University of Chicago
Classification: Likely benign for AllHighlyPenetrant. Review status: no assertion criteria provided. Collection method: clinical testing. Allele origin: germline. Inheritance: Autosomal recessive inheritance. Not counted in ClinVar's aggregate classification.
Comment: Likely benign based on allele frequency in 1000 Genomes Project or ESP global frequency and its presence in a patient with a rare or unrelated disease phenotype. NOT Sanger confirmed.

Genome Diagnostics Laboratory, University Medical Center Utrecht
Classification: Benign. Review status: no assertion criteria provided. Collection method: clinical testing. Allele origin: germline. Affected: yes. Study: VKGL Data-share Consensus. Not counted in ClinVar's aggregate classification.